The following is an entry in ClinVar:

NM_144997.7(FLCN):c.1042T>G (p.Ser348Ala)

Gene: FLCN (folliculin; minus strand). Cytogenetic location: 17p11.2.
Variant type: single nucleotide variant.
Coding change: c.1042T>G on transcript NM_144997.7 (MANE Select); coding-DNA position 1042, T replaced by G.
Protein change: p.Ser348Ala; replaces serine 348 with alanine.
Molecular consequence: missense variant.
Genome position (GRCh38, 1-based): chr17:17,219,039, A>C on the plus strand (T>G on the coding strand, the complement: FLCN is on the minus strand). VCF-style: chr17-17219039-A-C. GRCh37 (hg19) VCF-style: chr17-17122353-A-C.
Other names: c.1096T>G, p.Ser366Ala (NM_001353229.2); c.1042T>G, p.Ser348Ala (NM_001353230.2, NM_001353231.2); short protein forms S348A, S366A.
Identifiers: ClinVar variation 3850561 (VCV003850561.1).

ClinVar aggregate classification (germline): Uncertain significance (1 of 4 stars; one submission).

Conditions:
Hereditary cancer-predisposing syndrome. Also called: Hereditary neoplastic syndrome; Neoplastic Syndromes, Hereditary; Tumor predisposition; Hereditary Cancer Syndrome. Identifiers: Orphanet 140162, MedGen C0027672, MeSH D009386, MONDO:0015356.

Submission:

Ambry Genetics
Classification: Uncertain significance for Hereditary cancer-predisposing syndrome. Last evaluated: 2024-12-19. Review status: criteria provided, single submitter. Criteria: Ambry Variant Classification Scheme 2023. Collection method: clinical testing. Allele origin: germline.
Comment: The p.S348A variant (also known as c.1042T>G), located in coding exon 6 of the FLCN gene, results from a T to G substitution at nucleotide position 1042. The serine at codon 348 is replaced by alanine, an amino acid with similar properties. This amino acid position is highly conserved in available vertebrate species. In addition, this alteration is predicted to be deleterious by in silico analysis. Based on the available evidence, the clinical significance of this variant remains unclear.